The following is an entry in ClinVar:

NM_017780.4(CHD7):c.6148C>T (p.Arg2050Ter)

Gene: CHD7 (chromodomain helicase DNA binding protein 7; plus strand). Cytogenetic location: 8q12.2.
Variant type: single nucleotide variant.
Coding change: c.6148C>T on transcript NM_017780.4 (MANE Select); coding-DNA position 6148, C replaced by T.
Protein change: p.Arg2050Ter; replaces arginine 2050 with a stop codon.
Molecular consequence: nonsense. On other transcripts: intron variant (1).
Genome position (GRCh38, 1-based): chr8:60,852,873, C>T. VCF-style: chr8-60852873-C-T. GRCh37 (hg19) VCF-style: chr8-61765432-C-T.
Other names: c.6148C>T (LRG_176t1); c.1717-9356C>T (NM_001316690.1); short protein forms R2050*.
Identifiers: ClinVar variation 267436 (VCV000267436.22), dbSNP rs886040996, ClinGen allele CA10602503.

ClinVar aggregate classification (germline): Pathogenic. Review status: criteria provided, multiple submitters, no conflicts (2 of 4 stars). 8 submissions from 8 submitters: Pathogenic (8). Last evaluated 2026-09-04.

Conditions:
CHD7-related disorder. Also called: CHD7-related condition.
CHARGE syndrome (CHARGE). Also called: Hittner Hirsch Kreh syndrome; Coloboma, heart anomaly, choanal atresia, retardation, genital and ear anomalies; CHARGE association; Hall-Hittner syndrome; CHARGE ASSOCIATION--COLOBOMA, HEART ANOMALY, CHOANAL ATRESIA, RETARDATION, GENITAL AND EAR ANOMALIES. Identifiers: Orphanet 138, MedGen C0265354, MONDO:0008965.
CHD7-related CHARGE syndrome. Identifiers: MedGen CN380413, MONDO:1010178, OMIM 214800.

Submissions (8):

GeneDx
Classification: Pathogenic. Last evaluated: 2026-09-04. Review status: criteria provided, single submitter. Criteria: GeneDx Variant Classification Process June 2021. Collection method: clinical testing. Allele origin: germline.
Comment: Nonsense variant predicted to result in protein truncation or nonsense mediated decay in a gene for which loss of function is a known mechanism of disease; Not observed at significant frequency in large population cohorts (gnomAD); This variant is associated with the following publications: (PMID: 32058062, 25525159, 20138633, 22461308, 23024289, 16155193)

3billion
Classification: Pathogenic for CHD7-related CHARGE syndrome. Last evaluated: 2025-06-10. Review status: criteria provided, single submitter. Criteria: ACMG Guidelines, 2015. Collection method: clinical testing. Allele origin: germline. Affected: yes.
Comment: The variant is not observed in the gnomAD v4.1.0 dataset. Predicted Consequence/Location: Stop-gained (nonsense): predicted to result in a loss or disruption of normal protein function through nonsense-mediated decay (NMD) or protein truncation. Multiple pathogenic variants are reported downstream of the variant. The variant has been reported at least twice as pathogenic with clinical assertions and evidence for the classification (ClinVar ID: VCV000267436 /PMID: 16155193 /3billion dataset). Therefore, this variant is classified as Pathogenic according to the recommendation of ACMG/AMP guideline.

Genomic Medicine Center of Excellence, King Faisal Specialist Hospital and Research Centre
Classification: Pathogenic for CHD7-related CHARGE syndrome. Last evaluated: 2024-06-29. Review status: criteria provided, single submitter. Criteria: ACMG Guidelines, 2015. Collection method: clinical testing. Allele origin: germline.

Blueprint Genetics
Classification: Pathogenic for CHD7-related disorders. Last evaluated: 2024-01-23. Review status: criteria provided, single submitter. Criteria: ACMG Guidelines, 2015. Collection method: clinical testing. Allele origin: germline. Affected: yes. Observed: 3 variant alleles.

Labcorp Genetics (formerly Invitae), Labcorp
Classification: Pathogenic for CHARGE syndrome. Last evaluated: 2020-04-09. Review status: criteria provided, single submitter. Criteria: Invitae Variant Classification Sherloc (09022015). Collection method: clinical testing. Allele origin: germline.
Comment: Algorithms developed to predict the effect of sequence changes on RNA splicing suggest that this variant may create or strengthen a splice site, but this prediction has not been confirmed by published transcriptional studies. This variant has been observed in individual(s) with clinical features of CHARGE syndrome (PMID: 16155193, 23024289). ClinVar contains an entry for this variant (Variation ID: 267436). This variant is not present in population databases (ExAC no frequency). This sequence change creates a premature translational stop signal (p.Arg2050*) in the CHD7 gene. It is expected to result in an absent or disrupted protein product. Loss-of-function variants in CHD7 are known to be pathogenic (PMID: 22461308, 25077900). For these reasons, this variant has been classified as Pathogenic.

Eurofins Ntd Llc (ga)
Classification: Pathogenic. Last evaluated: 2018-01-23. Review status: criteria provided, single submitter. Criteria: EGL Classification Definitions 2015. Collection method: clinical testing. Allele origin: germline. Observed: 1 variant allele, 1 heterozygote.

Genomic Diagnostic Laboratory, Division of Genomic Diagnostics, Children's Hospital of Philadelphia
Classification: Pathogenic for CHARGE syndrome. Last evaluated: 2016-09-05. Review status: criteria provided, single submitter. Criteria: DGD Variant Analysis Guidelines. Collection method: clinical testing. Allele origin: germline. Affected: yes. Observed: 1 variant allele.
Comment: Clinical Testing

Daryl Scott Lab, Baylor College of Medicine
Classification: Pathogenic for CHD7-related CHARGE syndrome. Review status: criteria provided, single submitter. Criteria: ACMG Guidelines, 2015. Collection method: clinical testing. Allele origin: de novo. Affected: yes. Observed: 1 heterozygote.
Comment: PVS1, PS2, PM2

Literature cited by the submitters: PubMed 16155193 (cited by 3 submitters); PubMed 23024289 (cited by Labcorp Genetics (formerly Invitae), Labcorp); PubMed 22461308 (cited by Labcorp Genetics (formerly Invitae), Labcorp); PubMed 25077900 (cited by Labcorp Genetics (formerly Invitae), Labcorp).